The following is an entry in ClinVar:

ClinVar aggregate classification (germline): Uncertain significance. Review status: criteria provided, multiple submitters, no conflicts (2 of 4 stars). 7 submissions from 7 submitters: Uncertain significance (7). Last evaluated 2026-09-04.

Conditions:
Osteogenesis imperfecta type 8 (OI8). Identifiers: MedGen C1970458, MONDO:0012581, OMIM 610915.
Inborn genetic diseases. Identifiers: MedGen C0950123, MeSH D030342.

Allele frequency attached by ClinVar (database versions not stated): gnomAD 0.00032 and 0.00030; ExAC 0.00040; gnomAD exomes 0.00030 and 0.00058; ESP Exome Variant Server 0.00038; TOPMed 0.00029.
gnomAD v4.1: 880 of 1,610,568 alleles (0.055%); highest among the groups gnomAD compares: Non-Finnish European, 0.071%; no homozygotes.

Submissions (7):

GeneDx
Classification: Uncertain significance. Last evaluated: 2026-09-04. Review status: criteria provided, single submitter. Criteria: GeneDx Variant Classification Process June 2021. Collection method: clinical testing. Allele origin: germline.
Comment: In silico analysis suggests that this missense variant does not alter protein structure/function; Has not been previously published as pathogenic or benign to our knowledge

Ambry Genetics
Classification: Uncertain significance for Inborn genetic diseases. Last evaluated: 2025-07-03. Review status: criteria provided, single submitter. Criteria: Ambry Variant Classification Scheme 2023. Collection method: clinical testing. Allele origin: germline.

Women's Health and Genetics/Laboratory Corporation of America, LabCorp
Classification: Uncertain significance. Last evaluated: 2024-03-27. Review status: criteria provided, single submitter. Criteria: LabCorp Variant Classification Summary - May 2015. Collection method: clinical testing. Allele origin: germline.
Comment: Variant summary: P3H1 c.1963A>G (p.Thr655Ala) results in a non-conservative amino acid change located in the Prolyl 4-hydroxylase, alpha subunit and Oxoglutarate/iron-dependent dioxygenase of the encoded protein sequence. Four of five in-silico tools predict a benign effect of the variant on protein function. The variant allele was found at a frequency of 0.0003 in 247728 control chromosomes. This frequency is not significantly higher than estimated for a pathogenic variant in P3H1 causing Osteogenesis Imperfecta (0.0003 vs 0.0011), allowing no conclusion about variant significance. To our knowledge, no occurrence of c.1963A>G in individuals affected with Osteogenesis Imperfecta and no experimental evidence demonstrating its impact on protein function have been reported. ClinVar contains an entry for this variant (Variation ID: 650310). Based on the evidence outlined above, the variant was classified as uncertain significance.

Genome-Nilou Lab
Classification: Uncertain significance for Osteogenesis imperfecta type 8. Last evaluated: 2023-04-11. Review status: criteria provided, single submitter. Criteria: ACMG Guidelines, 2015. Collection method: clinical testing. Allele origin: germline. Affected: no.

Labcorp Genetics (formerly Invitae), Labcorp
Classification: Uncertain significance for Osteogenesis imperfecta type 8. Last evaluated: 2022-10-17. Review status: criteria provided, single submitter. Criteria: Invitae Variant Classification Sherloc (09022015). Collection method: clinical testing. Allele origin: germline.
Comment: This sequence change replaces threonine, which is neutral and polar, with alanine, which is neutral and non-polar, at codon 655 of the P3H1 protein (p.Thr655Ala). This variant is present in population databases (rs138939786, gnomAD 0.06%). This variant has not been reported in the literature in individuals affected with P3H1-related conditions. ClinVar contains an entry for this variant (Variation ID: 650310). Advanced modeling of protein sequence and biophysical properties (such as structural, functional, and spatial information, amino acid conservation, physicochemical variation, residue mobility, and thermodynamic stability) performed at Invitae indicates that this missense variant is not expected to disrupt P3H1 protein function. In summary, the available evidence is currently insufficient to determine the role of this variant in disease. Therefore, it has been classified as a Variant of Uncertain Significance.

Fulgent Genetics
Classification: Uncertain significance for Osteogenesis imperfecta type 8. Last evaluated: 2021-07-09. Review status: criteria provided, single submitter. Criteria: ACMG Guidelines, 2015. Collection method: clinical testing. Allele origin: unknown.

ARUP Laboratories, Molecular Genetics and Genomics, ARUP Laboratories
Classification: Uncertain significance for Osteogenesis imperfecta type 8. Last evaluated: 2020-02-12. Review status: criteria provided, single submitter. Criteria: ARUP Molecular Germline Variant Investigation Process. Collection method: clinical testing. Allele origin: germline.
Comment: The P3H1 c.1963A>G; p.Thr655Ala variant (rs138939786), to our knowledge, is not reported in the medical literature but is reported in ClinVar (Variation ID: 650310). This variant is found in the general population with an allele frequency of 0.030% (84/279,110 alleles) in the Genome Aggregation Database. The threonine at codon 655 is weakly conserved, and computational analyses (SIFT, PolyPhen-2) predict that this variant is tolerated. However, due to limited information, the clinical significance of this variant is uncertain at this time.

NM_022356.4(P3H1):c.1963A>G (p.Thr655Ala)

Gene: P3H1 (prolyl 3-hydroxylase 1; minus strand). Cytogenetic location: 1p34.2.
Variant type: single nucleotide variant.
Coding change: c.1963A>G on transcript NM_022356.4 (MANE Select); coding-DNA position 1963, A replaced by G.
Protein change: p.Thr655Ala; replaces threonine 655 with alanine.
Molecular consequence: missense variant.
Genome position (GRCh38, 1-based): chr1:42,747,364, T>C on the plus strand (A>G on the coding strand, the complement: P3H1 is on the minus strand). VCF-style: chr1-42747364-T-C. GRCh37 (hg19) VCF-style: chr1-43213035-T-C.
Other names: c.1963A>G, p.Thr655Ala (NM_001146289.2, NM_001243246.2); short protein forms T655A.
Identifiers: ClinVar variation 650310 (VCV000650310.24), dbSNP rs138939786, ClinGen allele CA801630.
Genomic context (GRCh38, chr1:42,747,364, plus strand): 5'-ACAGGGCGATGGCACAGCGCTGCCCCCTGGTGACAGCCTTCACTCCATGTGGGTTTTCAG[T>C]GCCTGAAGAGAATCCCACGGCTCTTCCACACTGAGGCTGCACCTCTGCCTAAGGGGGACA-3'
Protein context (NP_071751.3, residues 645-665): CGRAVGFSSG[Thr655Ala]ENPHGVKAVT